The following is an entry in ClinVar:

ClinVar aggregate classification (germline): Likely benign. Review status: criteria provided, multiple submitters, no conflicts (2 of 4 stars). 2 submissions from 2 submitters: Likely benign (2). Last evaluated 2025-11-07.

Conditions:
Neurofibromatosis, type 1 (NF1). Also called: NEUROFIBROMATOSIS, TYPE I, SOMATIC; VON RECKLINGHAUSEN DISEASE; Peripheral type neurofibromatosis; Neurofibromatosis, type I. Identifiers: Orphanet 636, MedGen C0027831, MONDO:0018975, OMIM 162200. Disease mechanism: loss of function.

Allele frequency attached by ClinVar (database versions not stated): gnomAD exomes below 0.00001; TOPMed 0.00002.
gnomAD v4.1: 2 of 1,603,246 alleles (0.00012%); highest among the groups gnomAD compares: East Asian, 0.0022%; no homozygotes.

Submissions (2):

Labcorp Genetics (formerly Invitae), Labcorp
Classification: Likely benign for Neurofibromatosis, type 1. Last evaluated: 2025-11-07. Review status: criteria provided, single submitter. Criteria: Invitae Variant Classification Sherloc (09022015). Collection method: clinical testing. Allele origin: germline.

Women's Health and Genetics/Laboratory Corporation of America, LabCorp
Classification: Likely benign. Last evaluated: 2024-06-14. Review status: criteria provided, single submitter. Criteria: LabCorp Variant Classification Summary - May 2015. Collection method: clinical testing. Allele origin: germline.
Comment: Variant summary: NF1 c.5205+15G>A alters a non-conserved nucleotide located at a position not widely known to affect splicing. Consensus agreement among computation tools predict no significant impact on normal splicing. However, these predictions have yet to be confirmed by functional studies. The variant allele was found at a frequency of 4.2e-06 in 238766 control chromosomes. The available data on variant occurrences in the general population are insufficient to allow any conclusion about variant significance. To our knowledge, no occurrence of c.5205+15G>A in individuals affected with NF1-related conditions and no experimental evidence demonstrating its impact on protein function have been reported. ClinVar contains an entry for this variant (Variation ID: 1641795). Based on the evidence outlined above, the variant was classified as likely benign.

Literature cited by the submitters: PubMed 10678181 (cited by Women's Health and Genetics/Laboratory Corporation of America, LabCorp); PubMed 23460398 (cited by Women's Health and Genetics/Laboratory Corporation of America, LabCorp); PubMed 29872168 (cited by Women's Health and Genetics/Laboratory Corporation of America, LabCorp); PubMed 27069254 (cited by Women's Health and Genetics/Laboratory Corporation of America, LabCorp).

NM_001042492.3(NF1):c.5268+15G>A

Gene: NF1 (neurofibromin 1; plus strand). Cytogenetic location: 17q11.2.
Variant type: single nucleotide variant.
Coding change: c.5268+15G>A on transcript NM_001042492.3 (MANE Select); 15 bases into the intron after coding-DNA position 5268, G replaced by A.
Molecular consequence: intron variant.
Genome position (GRCh38, 1-based): chr17:31,326,267, G>A. VCF-style: chr17-31326267-G-A. GRCh37 (hg19) VCF-style: chr17-29653285-G-A.
Other names: c.5205+15G>A (NM_000267.4).
Identifiers: ClinVar variation 1641795 (VCV001641795.9), dbSNP rs1364346008, ClinGen allele CA625780804.
Genomic context (GRCh38, chr17:31,326,267, plus strand): 5'-CAATGCTCTCAAGCTAGCTCACAAAGACACCAAAGTTTCTATTAAAGTAAGTTCCAGTCT[G>A]TGTTTTGTAAACGATTCATTGCTTTTCTTGACTAACTAGACTATATCCTGGCCTCCCTAG-3'